The following is an entry in ClinVar:

ClinVar aggregate classification (germline): Uncertain significance. Review status: criteria provided, multiple submitters, no conflicts (2 of 4 stars). 3 submissions from 3 submitters: Uncertain significance (3). Last evaluated 2023-10-04.

Conditions:
Hereditary cancer-predisposing syndrome. Also called: Hereditary neoplastic syndrome; Hereditary Cancer Syndrome; Tumor predisposition; Neoplastic Syndromes, Hereditary. Identifiers: Orphanet 140162, MedGen C0027672, MeSH D009386, MONDO:0015356.
Familial cancer of breast. Also called: hereditary breast carcinoma; BREAST CANCER, FAMILIAL; Hereditary breast cancer. Identifiers: Orphanet 227535, MedGen C0346153, MONDO:0016419, OMIM 114480. Disease mechanism: loss of function.

Submissions (3):

Labcorp Genetics (formerly Invitae), Labcorp
Classification: Uncertain significance for Familial cancer of breast. Last evaluated: 2023-10-04. Review status: criteria provided, single submitter. Criteria: Invitae Variant Classification Sherloc (09022015). Collection method: clinical testing. Allele origin: germline.
Comment: This sequence change replaces valine, which is neutral and non-polar, with methionine, which is neutral and non-polar, at codon 767 of the BARD1 protein (p.Val767Met). This variant is not present in population databases (gnomAD no frequency). This variant has not been reported in the literature in individuals affected with BARD1-related conditions. ClinVar contains an entry for this variant (Variation ID: 1521461). An algorithm developed to predict the effect of missense changes on protein structure and function (PolyPhen-2) suggests that this variant is likely to be tolerated. In summary, the available evidence is currently insufficient to determine the role of this variant in disease. Therefore, it has been classified as a Variant of Uncertain Significance.

Ambry Genetics
Classification: Uncertain significance for Hereditary cancer-predisposing syndrome. Last evaluated: 2021-12-13. Review status: criteria provided, single submitter. Criteria: Ambry Variant Classification Scheme 2023. Collection method: clinical testing. Allele origin: germline.
Comment: The p.V767M variant (also known as c.2299G>A), located in coding exon 11 of the BARD1 gene, results from a G to A substitution at nucleotide position 2299. The valine at codon 767 is replaced by methionine, an amino acid with highly similar properties. This amino acid position is conserved. In addition, this alteration is predicted to be tolerated by in silico analysis. Since supporting evidence is limited at this time, the clinical significance of this alteration remains unclear.

Sema4
Classification: Uncertain significance for Hereditary cancer-predisposing syndrome. Last evaluated: 2021-10-05. Review status: criteria provided, single submitter. Criteria: Sema4 Curation Guidelines. Collection method: curation. Allele origin: germline.
Comment: The BARD1 c.2299G>A (p.V767M) missense variant has not been reported in individuals with BARD1-realated disorders to our knowledge. In a large dataset of 60,466 women with breast cancer and 53,461 controls, the variant was reported in 1/53,461 controls (OR=0.2947 (95% CI = 0.0120 to 7.2351, p=0.45)) (PMID 33471991). This variant was not observed in the large and broad cohorts of the Genome Aggregation Database (PMID: 32461654). It has not been reported in ClinVar. Functional studies have not been performed, and in silico predictions of the variant's effect on protein function are inconclusive. The evidence is insufficient to meet ACMG/AMP criteria for classifying the variant as benign or pathogenic. Thus, the clinical significance of this variant is currently uncertain.

Literature cited by the submitters: PubMed 33471991 (cited by Sema4).

NM_000465.4(BARD1):c.2299G>A (p.Val767Met)

Gene: BARD1 (BRCA1 associated RING domain 1; minus strand). Cytogenetic location: 2q35.
Variant type: single nucleotide variant.
Coding change: c.2299G>A on transcript NM_000465.4 (MANE Select); coding-DNA position 2299, G replaced by A.
Protein change: p.Val767Met; replaces valine 767 with methionine.
Molecular consequence: missense variant. On other transcripts: non-coding transcript variant (3).
Genome position (GRCh38, 1-based): chr2:214,728,711, C>T on the plus strand (G>A on the coding strand, the complement: BARD1 is on the minus strand). VCF-style: chr2-214728711-C-T. GRCh37 (hg19) VCF-style: chr2-215593435-C-T.
Other names: c.2242G>A, p.Val748Met (NM_001282543.2); c.946G>A, p.Val316Met (NM_001282545.2); c.889G>A, p.Val297Met (NM_001282548.2); c.760G>A, p.Val254Met (NM_001282549.2); short protein forms V316M, V748M, V254M, V297M, V767M.
Identifiers: ClinVar variation 1521461 (VCV001521461.9), dbSNP rs1434753563, ClinGen allele CA350449807.
Genomic context (GRCh38, chr2:214,728,711, plus strand): 5'-TTGAAATGTTCATCTGGTATAATATTCAGCTGTCAAGAGGAAGCAACTCAAAGGACATCA[C>T]ACAGTCTATAAACCAGCTCGAAGGAGCCTTCCAGACTTTGCCCTGCCGAACCCTCTCTGG-3'
Protein context (NP_000456.2, residues 757-777): KAPSSWFIDC[Val767Met]MSFELLPLDS